The following is an entry in ClinVar:

ClinVar aggregate classification (germline): Uncertain significance (1 of 4 stars; one submission).

Submission:

Labcorp Genetics (formerly Invitae), Labcorp
Classification: Uncertain significance. Last evaluated: 2023-04-10. Review status: criteria provided, single submitter. Criteria: Invitae Variant Classification Sherloc (09022015). Collection method: clinical testing. Allele origin: germline.
Comment: This variant has not been reported in the literature in individuals affected with HSPG2-related conditions. In summary, the available evidence is currently insufficient to determine the role of this variant in disease. Therefore, it has been classified as a Variant of Uncertain Significance. An algorithm developed to predict the effect of missense changes on protein structure and function (PolyPhen-2) suggests that this variant is likely to be disruptive. This variant is not present in population databases (gnomAD no frequency). This sequence change replaces isoleucine, which is neutral and non-polar, with phenylalanine, which is neutral and non-polar, at codon 298 of the HSPG2 protein (p.Ile298Phe).

NM_005529.7(HSPG2):c.892A>T (p.Ile298Phe)

Gene: HSPG2 (heparan sulfate proteoglycan 2; minus strand). Cytogenetic location: 1p36.12.
Variant type: single nucleotide variant.
Coding change: c.892A>T on transcript NM_005529.7 (MANE Select); coding-DNA position 892, A replaced by T.
Protein change: p.Ile298Phe; replaces isoleucine 298 with phenylalanine.
Molecular consequence: missense variant.
Genome position (GRCh38, 1-based): chr1:21,887,486, T>A on the plus strand (A>T on the coding strand, the complement: HSPG2 is on the minus strand). VCF-style: chr1-21887486-T-A. GRCh37 (hg19) VCF-style: chr1-22213979-T-A.
Other names: c.892A>T, p.Ile298Phe (NM_001291860.2); short protein forms I298F.
Identifiers: ClinVar variation 3014556 (VCV003014556.3), dbSNP rs2550801270, ClinGen allele CA338969109.
Genomic context (GRCh38, chr1:21,887,486, plus strand): 5'-CTAGCTCATCGCTGCCGTCCTCGCAGTCCTCCTGTCCGTCGCAGAGGTAGTCTCTGGGGA[T>A]GCAGTGCCCATTGCGGCATGCGGCCTCCTGGGGCCCACAGGGCAGGGGCCTGACGGAACC-3'
Protein context (NP_005520.4, residues 288-308): QEAACRNGHC[Ile298Phe]PRDYLCDGQE